The following is an entry in ClinVar:

ClinVar aggregate classification (germline): Pathogenic (0 of 4 stars; one submission).

Conditions:
Pyruvate dehydrogenase E1-alpha deficiency (PDHAD). Also called: ATAXIA, INTERMITTENT, WITH PYRUVATE DEHYDROGENASE DEFICIENCY; ATAXIA WITH LACTIC ACIDOSIS I; ATAXIA, INTERMITTENT, WITH ABNORMAL PYRUVATE METABOLISM; Ataxia, intermittent, with pyruvate dehydrogenase, or decarboxylase, deficiency. Identifiers: Orphanet 79243, MedGen C1839413, MONDO:0010717, OMIM 312170.

Submission:

PDHA1 Study Group, University Children’s Hospital, Paracelsus Medical University
Classification: Pathogenic for Pyruvate dehydrogenase E1-alpha deficiency. Last evaluated: 2024-10-15. Review status: no assertion criteria provided. Collection method: research. Allele origin: inherited. Affected: yes. Observed: 2 variant alleles.
Comment: The NM_000284.3:c.442G>A (p.Gly148Arg) substitution is a missense variant in PDHA1 gene. In total, 2 individuals were diagnosed with PDHA1-related Pyruvate dehydrogenase complex (PDHc) deficiency (MIM #312170). Among them, 2 were confirmed inherited. The variant has been reported in 2 published cases (PMIDs: 7898978). Last literature search: July 12, 2024. This variant is absent or extremely rare in population-based cohorts in the Genome Aggregation Database (gnomAD). Individuals harboring this variant presented with clinical features compatible with PDHA1-related PDHc deficiency. In summary, this variant meets criteria to be classified as pathogenic (P) for PDHA1-related PDHc deficiency based on the ACMG/AMP criteria applied: PS3, PM1, PM2, PM7, PP3 (last assessment October 15, 2024).

Literature cited by the submitters: PubMed 7898978; DOI 10.1093/brain/awaf430.

NM_000284.4(PDHA1):c.442G>A (p.Gly148Arg)

Gene: PDHA1 (pyruvate dehydrogenase E1 subunit alpha 1; plus strand). Cytogenetic location: Xp22.12.
Variant type: single nucleotide variant.
Coding change: c.442G>A on transcript NM_000284.4 (MANE Select); coding-DNA position 442, G replaced by A.
Protein change: p.Gly148Arg; replaces glycine 148 with arginine.
Molecular consequence: missense variant.
Genome position (GRCh38, 1-based): chrX:19,353,105, G>A. VCF-style: chrX-19353105-G-A. GRCh37 (hg19) VCF-style: chrX-19371223-G-A.
Other names: c.556G>A, p.Gly186Arg (NM_001173454.2); c.463G>A, p.Gly155Arg (NM_001173455.2); c.442G>A, p.Gly148Arg (NM_001173456.2); short protein forms G148R, G155R, G186R.
Identifiers: ClinVar variation 4070501 (VCV004070501.1).